The following is an entry in ClinVar:

NM_002693.3(POLG):c.3680C>A (p.Thr1227Asn)

Genes: FANCI (FA complementation group I; plus strand), POLG (DNA polymerase gamma, catalytic subunit; minus strand). Cytogenetic location: 15q26.1.
Variant type: single nucleotide variant.
Coding change: c.3680C>A on transcript NM_002693.3 (MANE Select); coding-DNA position 3680, C replaced by A.
Protein change: p.Thr1227Asn; replaces threonine 1227 with asparagine.
Molecular consequence: missense variant. On other transcripts: 3 prime UTR variant (4).
Genome position (GRCh38, 1-based): chr15:89,316,791, G>T on the plus strand (C>A on the coding strand, the complement: POLG is on the minus strand). VCF-style: chr15-89316791-G-T. GRCh37 (hg19) VCF-style: chr15-89860022-G-T.
Other names: p.Thr1227Asn; c.3680C>A, p.Thr1227Asn (NM_001126131.2); c.*332G>T (NM_001113378.2, NM_001376910.1, NM_001376911.1 and 1 more transcripts); short protein forms T1227N.
Identifiers: ClinVar variation 598136 (VCV000598136.14), dbSNP rs775517153, ClinGen allele CA10602285.

ClinVar aggregate classification (germline): Uncertain significance. Review status: criteria provided, multiple submitters, no conflicts (2 of 4 stars). 4 submissions from 4 submitters: Uncertain significance (4). Last evaluated 2024-03-20.

Conditions:
Progressive sclerosing poliodystrophy (MTDPS4A). Also called: Alpers-Huttenlocher Syndrome (AHS); Alpers Syndrome; ALPERS PROGRESSIVE INFANTILE POLIODYSTROPHY; Mitochondrial DNA depletion syndrome 4A (Alpers type); ALPERS DIFFUSE DEGENERATION OF CEREBRAL GRAY MATTER WITH HEPATIC CIRRHOSIS; Alpers-Huttenlocher Syndrome. Identifiers: Orphanet 726, MedGen C0205710, MONDO:0008758, OMIM 203700.

Allele frequency attached by ClinVar (database versions not stated): gnomAD exomes below 0.00001 and 0.00002; TOPMed below 0.00001; gnomAD 0.00001.
gnomAD v4.1: 27 of 1,613,896 alleles (0.0017%); highest among the groups gnomAD compares: Non-Finnish European, 0.0023%; no homozygotes.

Submissions (4):

Labcorp Genetics (formerly Invitae), Labcorp
Classification: Uncertain significance for Progressive sclerosing poliodystrophy. Last evaluated: 2024-03-20. Review status: criteria provided, single submitter. Criteria: Invitae Variant Classification Sherloc (09022015). Collection method: clinical testing. Allele origin: germline.
Comment: This sequence change replaces threonine, which is neutral and polar, with asparagine, which is neutral and polar, at codon 1227 of the POLG protein (p.Thr1227Asn). This variant is present in population databases (rs775517153, gnomAD 0.002%). This variant has not been reported in the literature in individuals affected with POLG-related conditions. ClinVar contains an entry for this variant (Variation ID: 598136). Advanced modeling of protein sequence and biophysical properties (such as structural, functional, and spatial information, amino acid conservation, physicochemical variation, residue mobility, and thermodynamic stability) performed at Invitae indicates that this missense variant is expected to disrupt POLG protein function with a positive predictive value of 95%. In summary, the available evidence is currently insufficient to determine the role of this variant in disease. Therefore, it has been classified as a Variant of Uncertain Significance.

Mayo Clinic Laboratories, Mayo Clinic
Classification: Uncertain significance. Last evaluated: 2021-06-28. Review status: criteria provided, single submitter. Criteria: ACMG Guidelines, 2015. Collection method: clinical testing. Allele origin: germline.

Wong Mito Lab, Molecular and Human Genetics, Baylor College of Medicine
Classification: Uncertain significance for Progressive sclerosing poliodystrophy. Last evaluated: 2018-10-01. Review status: criteria provided, single submitter. Criteria: ACMG Guidelines, 2015. Collection method: clinical testing. Allele origin: germline.
Comment: The NM_002693.2:c.3680C>A (NP_002684.1:p.Thr1227Asn) [GRCH38: NC_000015.10:g.89316791G>T] variant in FANCI gene is interpretated to be a Uncertain Significance based on ACMG guidelines (PMID: 25741868). This variant meets the following evidence codes reported in the ACMG-guideline. BP4:Computational evidence/predictors indicate no impact on the FANCI structure, function, or protein-protein interaction. Based on the evidence criteria codes applied, the variant is suggested to be Uncertain Significance.

Eurofins Ntd Llc (ga)
Classification: Uncertain significance. Last evaluated: 2018-07-24. Review status: criteria provided, single submitter. Criteria: EGL ClinVar v180209 classification definitions. Collection method: clinical testing. Allele origin: germline. Observed: 1 variant allele, 1 heterozygote.